The following is an entry in ClinVar:

ClinVar aggregate classification (germline): Benign/Likely benign. Review status: criteria provided, multiple submitters, no conflicts (2 of 4 stars). 10 submissions from 10 submitters: Benign (6); Likely benign (1). 3 of the submissions do not count toward it. Last evaluated 2024-11-27.

Conditions:
Deficiency of acetyl-CoA acetyltransferase. Also called: Beta-ketothiolase deficiency; MITOCHONDRIAL ACETOACETYL-CoA THIOLASE DEFICIENCY; 3-KETOTHIOLASE DEFICIENCY; 3-OXOTHIOLASE DEFICIENCY. Identifiers: Orphanet 134, MedGen C1536500, MONDO:0008760, OMIM 203750. Disease mechanism: loss of function.

Allele frequency attached by ClinVar (database versions not stated): ESP Exome Variant Server 0.19757; gnomAD 0.26111 and 0.27272; TOPMed 0.26895; 1000 Genomes Project 30x 0.30887; 1000 Genomes Project 0.31370; gnomAD exomes 0.36138; ExAC 0.38810.
gnomAD v4.1: 493,279 of 1,548,816 alleles (32%); highest among the groups gnomAD compares: South Asian, 48%; 83,240 homozygotes.

Submissions (10):

Blueprint Genetics
Classification: Likely benign. Last evaluated: 2024-11-27. Review status: criteria provided, single submitter. Criteria: ACMG Guidelines, 2015. Collection method: clinical testing. Allele origin: germline.

Mayo Clinic Laboratories, Mayo Clinic
Classification: Benign. Last evaluated: 2022-03-10. Review status: criteria provided, single submitter. Criteria: ACMG Guidelines, 2015. Collection method: clinical testing. Allele origin: germline. Observed: 51 variant alleles.

Genome-Nilou Lab
Classification: Benign for Deficiency of acetyl-CoA acetyltransferase. Last evaluated: 2021-07-01. Review status: criteria provided, single submitter. Criteria: ACMG Guidelines, 2015. Collection method: clinical testing. Allele origin: germline. Affected: no.

Illumina Laboratory Services, Illumina
Classification: Benign for Deficiency of acetyl-CoA acetyltransferase. Last evaluated: 2018-01-13. Review status: criteria provided, single submitter. Criteria: ICSL Variant Classification Criteria 13 December 2019. Collection method: clinical testing. Allele origin: germline.
Comment: This variant was observed in the ICSL laboratory as part of a predisposition screen in an ostensibly healthy population. It had not been previously curated by ICSL or reported in the Human Gene Mutation Database (HGMD: prior to June 1st, 2018), and was therefore a candidate for classification through an automated scoring system. Utilizing variant allele frequency, disease prevalence and penetrance estimates, and inheritance mode, an automated score was calculated to assess if this variant is too frequent to cause the disease. Based on the score and internal cut-off values, a variant classified as benign is not then subjected to further curation. The score for this variant resulted in a classification of benign for this disease.

Eurofins Ntd Llc (ga)
Classification: Benign. Last evaluated: 2016-02-05. Review status: criteria provided, single submitter. Criteria: EGL Classification Definitions 2015. Collection method: clinical testing. Allele origin: germline. Observed: 58 variant alleles, 42 heterozygotes, 16 homozygotes.

GeneDx
Classification: Benign. Last evaluated: 2015-03-03. Review status: criteria provided, single submitter. Criteria: GeneDx Variant Classification Process June 2021. Collection method: clinical testing. Allele origin: germline. Affected: yes.

Breakthrough Genomics
Classification: Benign. Review status: criteria provided, single submitter. Criteria: ACMG Guidelines, 2015. Collection method: not provided. Allele origin: germline. Inheritance: Autosomal recessive inheritance. Affected: yes.

Natera, Inc.
Classification: Benign for Alpha-methylacetoacetic aciduria. Last evaluated: 2019-11-19. Review status: no assertion criteria provided. Collection method: clinical testing. Allele origin: germline. Not counted in ClinVar's aggregate classification.

Diagnostic Laboratory, Department of Genetics, University Medical Center Groningen
Classification: Benign. Review status: no assertion criteria provided. Collection method: clinical testing. Allele origin: germline. Affected: yes. Study: VKGL Data-share Consensus. Not counted in ClinVar's aggregate classification.

Joint Genome Diagnostic Labs from Nijmegen and Maastricht, Radboudumc and MUMC+
Classification: Benign. Review status: no assertion criteria provided. Collection method: clinical testing. Allele origin: germline. Affected: yes. Study: VKGL Data-share Consensus. Not counted in ClinVar's aggregate classification.

NM_000019.4(ACAT1):c.-9T>A

Gene: ACAT1 (acetyl-CoA acetyltransferase 1; plus strand). Cytogenetic location: 11q22.3.
Variant type: single nucleotide variant.
Coding change: c.-9T>A on transcript NM_000019.4 (MANE Select); 9 bases upstream of the start codon, T replaced by A.
Molecular consequence: 5 prime UTR variant.
Genome position (GRCh38, 1-based): chr11:108,121,598, T>A. VCF-style: chr11-108121598-T-A. GRCh37 (hg19) VCF-style: chr11-107992325-T-A.
Other names: c.-9T>A (LRG_1400t1).
Identifiers: ClinVar variation 92294 (VCV000092294.24), dbSNP rs3741055, ClinGen allele CA145603.